The following is an entry in ClinVar:

ClinVar aggregate classification (germline): Pathogenic (1 of 4 stars; one submission).

Conditions:
Niemann-Pick disease, type C1. Also called: NEUROVISCERAL STORAGE DISEASE WITH VERTICAL SUPRANUCLEAR OPHTHALMOPLEGIA; NIEMANN-PICK DISEASE WITH CHOLESTEROL ESTERIFICATION BLOCK; NIEMANN-PICK DISEASE WITHOUT SPHINGOMYELINASE DEFICIENCY; NIEMANN-PICK DISEASE, CHRONIC NEURONOPATHIC FORM; NIEMANN-PICK DISEASE, VARIANT TYPE C1. Identifiers: Orphanet 646, MedGen C3179455, MONDO:0009757, OMIM 257220.

Submission:

Labcorp Genetics (formerly Invitae), Labcorp
Classification: Pathogenic for Niemann-Pick disease, type C1. Last evaluated: 2024-03-03. Review status: criteria provided, single submitter. Criteria: Invitae Variant Classification Sherloc (09022015). Collection method: clinical testing. Allele origin: germline.
Comment: This sequence change creates a premature translational stop signal (p.Trp833*) in the NPC1 gene. It is expected to result in an absent or disrupted protein product. Loss-of-function variants in NPC1 are known to be pathogenic (PMID: 9211850). This variant is not present in population databases (gnomAD no frequency). This premature translational stop signal has been observed in individual(s) with Niemann-Pick disease type C (PMID: 12955717). For these reasons, this variant has been classified as Pathogenic.

Literature cited by the submitters: PubMed 9211850; PubMed 12955717.

NM_000271.5(NPC1):c.2498G>A (p.Trp833Ter)

Gene: NPC1 (NPC intracellular cholesterol transporter 1; minus strand). Cytogenetic location: 18q11.2.
Variant type: single nucleotide variant.
Coding change: c.2498G>A on transcript NM_000271.5 (MANE Select); coding-DNA position 2498, G replaced by A.
Protein change: p.Trp833Ter; replaces tryptophan 833 with a stop codon.
Molecular consequence: nonsense.
Genome position (GRCh38, 1-based): chr18:23,541,084, C>T on the plus strand (G>A on the coding strand, the complement: NPC1 is on the minus strand). VCF-style: chr18-23541084-C-T. GRCh37 (hg19) VCF-style: chr18-21121048-C-T.
Other names: short protein forms W833*.
Identifiers: ClinVar variation 3723090 (VCV003723090.2).